The following is an entry in ClinVar:

NM_007294.4(BRCA1):c.677G>A (p.Cys226Tyr)

Gene: BRCA1 (BRCA1 DNA repair associated; minus strand). Cytogenetic location: 17q21.31.
Variant type: single nucleotide variant.
Coding change: c.677G>A on transcript NM_007294.4 (MANE Select); coding-DNA position 677, G replaced by A.
Protein change: p.Cys226Tyr; replaces cysteine 226 with tyrosine.
Molecular consequence: missense variant. On other transcripts: non-coding transcript variant (1).
Genome position (GRCh38, 1-based): chr17:43,094,854, C>T on the plus strand (G>A on the coding strand, the complement: BRCA1 is on the minus strand). VCF-style: chr17-43094854-C-T. GRCh37 (hg19) VCF-style: chr17-41246871-C-T.
Other names: c.674G>A, p.Cys225Tyr (NM_001408398.1, NM_001408399.1, NM_001408400.1 and 38 more transcripts); c.677G>A, p.Cys226Tyr (NM_001408403.1, NM_001408404.1, NM_001408406.1 and 54 more transcripts); c.668G>A, p.Cys223Tyr (NM_001408408.1, NM_001407646.1, NM_001407647.1); c.599G>A, p.Cys200Tyr (NM_001408409.1, NM_001408411.1, NM_001408412.1 and 9 more transcripts); c.536G>A, p.Cys179Tyr (NM_001408410.1, NM_001408452.1, NM_001408453.1 and 43 more transcripts); c.596G>A, p.Cys199Tyr (NM_001408413.1, NM_001408416.1, NM_001407659.1 and 3 more transcripts); c.554G>A, p.Cys185Tyr (NM_001408425.1, NM_001408426.1, NM_001408427.1 and 34 more transcripts); c.551G>A, p.Cys184Tyr (NM_001408432.1, NM_001408433.1, NM_001408434.1 and 20 more transcripts); and 14 more; short protein forms C226Y, C179Y, C115Y, C137Y, C156Y, C159Y, C184Y, C199Y.
Identifiers: ClinVar variation 441363 (VCV000441363.25), dbSNP rs1376262238, ClinGen allele CA10600737.

ClinVar aggregate classification (germline): Conflicting classifications of pathogenicity. Review status: criteria provided, conflicting classifications (1 of 4 stars). 7 submissions from 7 submitters: Uncertain significance (6); Likely benign (1). Last evaluated 2025-07-30.

Conditions:
Hereditary cancer-predisposing syndrome. Also called: Neoplastic Syndromes, Hereditary; Hereditary neoplastic syndrome; Tumor predisposition; Hereditary Cancer Syndrome. Identifiers: Orphanet 140162, MedGen C0027672, MeSH D009386, MONDO:0015356.
Hereditary breast ovarian cancer syndrome. Also called: Hereditary breast and ovarian cancer syndrome (HBOC); BRCA1- and BRCA2-Associated Hereditary Breast and Ovarian Cancer; Hereditary breast and/or ovarian cancer syndrome; Hereditary breast and ovarian cancer syndrome; Hereditary breast and ovarian cancer; Breast and ovarian cancer. Identifiers: Orphanet 145, MedGen C0677776, MeSH D061325, MONDO:0003582. Disease mechanism: loss of function.
Breast-ovarian cancer, familial, susceptibility to, 1 (BROVCA1). Also called: BRCA1 Hereditary Breast and Ovarian Cancer; OVARIAN CANCER, SUSCEPTIBILITY TO. Identifiers: Orphanet 145, MedGen C2676676, MONDO:0011450, OMIM 604370. Disease mechanism: loss of function.

Allele frequency attached by ClinVar (database versions not stated): gnomAD exomes below 0.00001.
gnomAD v4.1: 4 of 1,610,434 alleles (0.00025%); highest among the groups gnomAD compares: Non-Finnish European, 0.00034%; no homozygotes.

Submissions (7):

Labcorp Genetics (formerly Invitae), Labcorp
Classification: Uncertain significance for Hereditary breast ovarian cancer syndrome. Last evaluated: 2025-07-30. Review status: criteria provided, single submitter. Criteria: Invitae Variant Classification Sherloc (09022015). Collection method: clinical testing. Allele origin: germline.
Comment: This sequence change replaces cysteine, which is neutral and slightly polar, with tyrosine, which is neutral and polar, at codon 226 of the BRCA1 protein (p.Cys226Tyr). The frequency data for this variant in the population databases is considered unreliable, as metrics indicate poor data quality at this position in the gnomAD database. This missense change has been observed in individual(s) with clinical features of hereditary breast and ovarian cancer in the Leiden Open-source Variation Database (PMID: 21520333). ClinVar contains an entry for this variant (Variation ID: 441363). Invitae Evidence Modeling of protein sequence and biophysical properties (such as structural, functional, and spatial information, amino acid conservation, physicochemical variation, residue mobility, and thermodynamic stability) indicates that this missense variant is not expected to disrupt BRCA1 protein function with a negative predictive value of 80%. In summary, the available evidence is currently insufficient to determine the role of this variant in disease. Therefore, it has been classified as a Variant of Uncertain Significance.

Center for Genomic Medicine, Rigshospitalet, Copenhagen University Hospital
Classification: Uncertain significance. Last evaluated: 2025-03-04. Review status: criteria provided, single submitter. Criteria: ACMG Guidelines, 2015. Collection method: clinical testing. Allele origin: germline.

Quest Diagnostics Nichols Institute San Juan Capistrano
Classification: Uncertain significance. Last evaluated: 2025-02-13. Review status: criteria provided, single submitter. Criteria: Quest Diagnostics criteria. Collection method: clinical testing. Allele origin: unknown.
Comment: The BRCA1 c.677G>A (p.Cys226Tyr) variant has been reported in the published literature to be located in a region of the BRCA1 gene that is tolerant to missense sequence changes (PMID: 31911673 (2020)). To the best of our knowledge, this variant has not been reported in individuals with BRCA1-related disorders. The frequency of this variant in the general population (Genome Aggregation Database) is uninformative in the assessment of its pathogenicity. Analysis of this variant using bioinformatics tools for the prediction of the effect of amino acid changes on protein structure and function yielded conflicting predictions that this variant is benign or damaging. Based on the available information, we are unable to determine the clinical significance of this variant.

Ambry Genetics
Classification: Uncertain significance for Hereditary cancer-predisposing syndrome. Last evaluated: 2025-01-14. Review status: criteria provided, single submitter. Criteria: Ambry Variant Classification Scheme 2023. Collection method: clinical testing. Allele origin: germline.
Comment: The p.C226Y variant (also known as c.677G>A), located in coding exon 9 of the BRCA1 gene, results from a G to A substitution at nucleotide position 677. The cysteine at codon 226 is replaced by tyrosine, an amino acid with highly dissimilar properties. This amino acid position is well conserved in available vertebrate species. In addition, this alteration is predicted to be deleterious by in silico analysis. Based on the available evidence, the clinical significance of this variant remains unclear.

Color Diagnostics, LLC DBA Color Health
Classification: Uncertain significance for Hereditary cancer-predisposing syndrome. Last evaluated: 2024-01-30. Review status: criteria provided, single submitter. Criteria: ACMG Guidelines, 2015. Collection method: clinical testing. Allele origin: germline.
Comment: This missense variant replaces cysteine with tyrosine at codon 226 of the BRCA1 protein. Computational prediction is inconclusive regarding the impact of this variant on protein structure and function. To our knowledge, functional studies have not been reported for this variant. This variant has not been reported in individuals affected with BRCA1-related disorders in the literature. This variant has been identified in 1/242894 chromosomes in the general population by the Genome Aggregation Database (gnomAD). The available evidence is insufficient to determine the role of this variant in disease conclusively. Therefore, this variant is classified as a Variant of Uncertain Significance.

All of Us Research Program, National Institutes of Health
Classification: Uncertain significance for Breast-ovarian cancer, familial, susceptibility to, 1. Last evaluated: 2023-11-30. Review status: criteria provided, single submitter. Criteria: ACMG Guidelines, 2015. Collection method: clinical testing. Allele origin: germline. Inheritance: Autosomal dominant inheritance. Observed: 1 variant allele, 1 heterozygote.
Comment: This study involves interpretation of variants in research participants for the purpose of population health screening. Participant phenotype was not available at the time of variant classification. Additional details can be found in publication PMID: 35346344, PMCID: PMC8962531

University of Washington Department of Laboratory Medicine, University of Washington
Classification: Likely benign for Hereditary cancer-predisposing syndrome. Last evaluated: 2023-03-23. Review status: criteria provided, single submitter. Criteria: Dines et al. (Genet Med. 2020). Collection method: curation. Allele origin: germline.
Comment: Missense variant in a coldspot region where missense variants are very unlikely to be pathogenic (PMID:31911673).

BRCA1 coldspot (exon 11 using historical exon numbering). Reclassification based on statistical prior probability

Literature cited by the submitters: PubMed 21520333 (cited by Labcorp Genetics (formerly Invitae), Labcorp); PubMed 31911673 (cited by Quest Diagnostics Nichols Institute San Juan Capistrano).